The following is an entry in ClinVar:

ClinVar aggregate classification (germline): Uncertain significance (1 of 4 stars; one submission).

Conditions:
Congenital myopathy with internal nuclei and atypical cores. Also called: Myopathy, centronuclear, 4. Identifiers: Orphanet 319160, MedGen C4707232, MONDO:0013890, OMIM 614807.

Allele frequency attached by ClinVar (database versions not stated): gnomAD exomes below 0.00001.

Submission:

Labcorp Genetics (formerly Invitae), Labcorp
Classification: Uncertain significance for Congenital myopathy with internal nuclei and atypical cores. Last evaluated: 2022-08-16. Review status: criteria provided, single submitter. Criteria: Invitae Variant Classification Sherloc (09022015). Collection method: clinical testing. Allele origin: germline.
Comment: In summary, the available evidence is currently insufficient to determine the role of this variant in disease. Therefore, it has been classified as a Variant of Uncertain Significance. Algorithms developed to predict the effect of missense changes on protein structure and function (SIFT, PolyPhen-2, Align-GVGD) all suggest that this variant is likely to be tolerated. ClinVar contains an entry for this variant (Variation ID: 1421755). This variant has not been reported in the literature in individuals affected with CCDC78-related conditions. This variant is present in population databases (no rsID available, gnomAD 0.002%). This sequence change replaces valine, which is neutral and non-polar, with isoleucine, which is neutral and non-polar, at codon 47 of the CCDC78 protein (p.Val47Ile).

NM_001378030.1(CCDC78):c.139G>A (p.Val47Ile)

Gene: CCDC78 (coiled-coil domain containing 78; minus strand). Cytogenetic location: 16p13.3.
Variant type: single nucleotide variant.
Coding change: c.139G>A on transcript NM_001378030.1 (MANE Select); coding-DNA position 139, G replaced by A.
Protein change: p.Val47Ile; replaces valine 47 with isoleucine.
Molecular consequence: missense variant. On other transcripts: 5 prime UTR variant (1), non-coding transcript variant (5).
Genome position (GRCh38, 1-based): chr16:726,007, C>T on the plus strand (G>A on the coding strand, the complement: CCDC78 is on the minus strand). VCF-style: chr16-726007-C-T. GRCh37 (hg19) VCF-style: chr16-776007-C-T.
Other names: c.139G>A, p.Val47Ile (NM_001031737.3, NM_001378031.1); c.-147G>A (NM_001378033.1); short protein forms V47I.
Identifiers: ClinVar variation 1421755 (VCV001421755.6), dbSNP rs892740041, ClinGen allele CA394105637.